The following is an entry in ClinVar:

ClinVar aggregate classification (germline): Uncertain significance (1 of 4 stars; one submission).

Conditions:
Hereditary cancer-predisposing syndrome. Also called: Tumor predisposition; Hereditary neoplastic syndrome; Hereditary Cancer Syndrome; Neoplastic Syndromes, Hereditary. Identifiers: Orphanet 140162, MedGen C0027672, MeSH D009386, MONDO:0015356.

gnomAD v4.1: 1 of 1,244,076 alleles (0.00008%); no homozygotes.

Submission:

Ambry Genetics
Classification: Uncertain significance for Hereditary cancer-predisposing syndrome. Last evaluated: 2023-11-21. Review status: criteria provided, single submitter. Criteria: Ambry Variant Classification Scheme 2023. Collection method: clinical testing. Allele origin: germline.
Comment: The p.A255E variant (also known as c.764C>A), located in coding exon 3 of the PHOX2B gene, results from a C to A substitution at nucleotide position 764. The alanine at codon 255 is replaced by glutamic acid, an amino acid with dissimilar properties. This amino acid position is conserved. In addition, the in silico prediction for this alteration is inconclusive. Since supporting evidence is limited at this time, the clinical significance of this alteration remains unclear.

NM_003924.4(PHOX2B):c.764C>A (p.Ala255Glu)

Genes: PHOX2B (paired like homeobox 2B; minus strand), LOC110011216 (paired like homeobox 2b polyalanine repeat instability region; plus strand). Cytogenetic location: 4p13.
Variant type: single nucleotide variant.
Coding change: c.764C>A on transcript NM_003924.4 (MANE Select); coding-DNA position 764, C replaced by A.
Protein change: p.Ala255Glu; replaces alanine 255 with glutamic acid.
Molecular consequence: missense variant.
Genome position (GRCh38, 1-based): chr4:41,745,988, G>T on the plus strand (C>A on the coding strand, the complement: PHOX2B is on the minus strand). VCF-style: chr4-41745988-G-T. GRCh37 (hg19) VCF-style: chr4-41748005-G-T.
Other names: short protein forms A255E.
Identifiers: ClinVar variation 3223598 (VCV003223598.1), dbSNP rs2552096805, ClinGen allele CA356737176.